The following is an entry in ClinVar:

ClinVar aggregate classification (germline): Uncertain significance (1 of 4 stars; one submission).

Conditions:
Gorlin syndrome. Also called: Basal cell nevus syndrome; Nevoid Basal Cell Carcinoma Syndrome. Identifiers: Orphanet 377, MedGen C0004779, MONDO:0007187.

gnomAD v4.1: 1 of 1,613,252 alleles (0.000062%); highest among the groups gnomAD compares: South Asian, 0.0011%; no homozygotes.

Submission:

Labcorp Genetics (formerly Invitae), Labcorp
Classification: Uncertain significance for Gorlin syndrome. Last evaluated: 2024-12-30. Review status: criteria provided, single submitter. Criteria: Invitae Variant Classification Sherloc (09022015). Collection method: clinical testing. Allele origin: germline.
Comment: This sequence change falls in intron 21 of the PTCH2 gene. It does not directly change the encoded amino acid sequence of the PTCH2 protein. This variant is not present in population databases (gnomAD no frequency). This variant has not been reported in the literature in individuals affected with PTCH2-related conditions. Algorithms developed to predict the effect of sequence changes on RNA splicing suggest that this variant may disrupt the consensus splice site. In summary, the available evidence is currently insufficient to determine the role of this variant in disease. Therefore, it has been classified as a Variant of Uncertain Significance.

NM_003738.5(PTCH2):c.3358-16T>G

Gene: PTCH2 (patched 2; minus strand). Cytogenetic location: 1p34.1.
Variant type: single nucleotide variant.
Coding change: c.3358-16T>G on transcript NM_003738.5 (MANE Select); 16 bases into the intron before coding-DNA position 3358, T replaced by G.
Molecular consequence: intron variant.
Genome position (GRCh38, 1-based): chr1:44,822,685, A>C on the plus strand (T>G on the coding strand, the complement: PTCH2 is on the minus strand). VCF-style: chr1-44822685-A-C. GRCh37 (hg19) VCF-style: chr1-45288357-A-C.
Other names: c.3358-16T>G (NM_001166292.2).
Identifiers: ClinVar variation 3683678 (VCV003683678.2).
Genomic context (GRCh38, chr1:44,822,685, plus strand): 5'-TGGTGGACTCAGGATCTCTGGGCTTTCCTTGTACATCTGTATCACCTGTGGGGAGACACC[A>C]GCCCCAGTAAGCCCACGGGCCCCTGGGGCTCCCGTCCCCTTTAGCATCTCGCTGGGGATT-3'